The following is an entry in ClinVar:

ClinVar aggregate classification (germline): Pathogenic (1 of 4 stars; one submission).

Submission:

Labcorp Genetics (formerly Invitae), Labcorp
Classification: Pathogenic. Last evaluated: 2021-11-16. Review status: criteria provided, single submitter. Criteria: Invitae Variant Classification Sherloc (09022015). Collection method: clinical testing. Allele origin: germline.
Comment: This sequence change creates a premature translational stop signal (p.Asn662Metfs*25) in the PHEX gene. It is expected to result in an absent or disrupted protein product. Loss-of-function variants in PHEX are known to be pathogenic (PMID: 9097956, 9106524, 19219621). This variant has not been reported in the literature in individuals affected with PHEX-related conditions. This variant is not present in population databases (gnomAD no frequency). For these reasons, this variant has been classified as Pathogenic.

Literature cited by the submitters: PubMed 9097956; PubMed 9106524; PubMed 19219621.

NM_000444.6(PHEX):c.1985del (p.Asn662fs)

Genes: PHEX (phosphate regulating endopeptidase X-linked; plus strand), PTCHD1-AS (PTCHD1 and PHEX antisense RNA; minus strand). Cytogenetic location: Xp22.11.
Variant type: Deletion.
Coding change: c.1985del on transcript NM_000444.6 (MANE Select); coding-DNA position 1985, one base deleted (A; older notation c.1985delA).
Protein change: p.Asn662fs; shifts the reading frame from asparagine 662.
Molecular consequence: frameshift variant. On other transcripts: non-coding transcript variant (1).
Genome position (GRCh38, 1-based): chrX:22,227,526, A deleted; the last of 3 consecutive A bases (chrX:22,227,524-22,227,526); deleting any one gives the same sequence. VCF-style (leftmost placement, unchanged base first): chrX-22227523-TA-T. GRCh37 (hg19) VCF-style: chrX-22245640-TA-T.
Other names: c.1985del, p.Asn662fs (NM_001282754.2); short protein forms N662fs.
Identifiers: ClinVar variation 1453112 (VCV001453112.6), dbSNP rs2147184613, ClinGen allele CA2573158551.
Genomic context (GRCh38, chrX:22,227,523, plus strand): 5'-AACCCACCGTTGCAGAGACTCATCTCTTCTTCTTCTCTCACCAGGCTTACAGGAAATGGA[TA>T]AATGACAGAAGGCAGGGACTTGAGGAGCCTCTTCTACCAGGCATCACATTCACCAACAAC-3'